The following is an entry in ClinVar:

NM_000179.3(MSH6):c.-45A>T

Genes: MSH6 (mutS homolog 6; plus strand), LOC129933706 (ATAC-STARR-seq lymphoblastoid silent region 11467; plus strand). Cytogenetic location: 2p16.3.
Variant type: single nucleotide variant.
Coding change: c.-45A>T on transcript NM_000179.3 (MANE Select); 45 bases upstream of the start codon, A replaced by T.
Molecular consequence: 5 prime UTR variant.
Genome position (GRCh38, 1-based): chr2:47,783,189, A>T. VCF-style: chr2-47783189-A-T. GRCh37 (hg19) VCF-style: chr2-48010328-A-T.
Other names: c.-45A>T (NM_001281492.2); c.-781A>T (NM_001281493.2).
Identifiers: ClinVar variation 391966 (VCV000391966.1), dbSNP rs1057520317, ClinGen allele CA16604260.
Genomic context (GRCh38, chr2:47,783,189, plus strand): 5'-GAGCGCGCCTCCCCCCAGATTTCCCGCCAGCAGGAGCCGCGCGGTAGATGCGGTGCTTTT[A>T]GGAGCTCCGTCCGACAGAACGGTTGGGCCTTGCCGGCTGTCGGTATGTCGCGACAGAGCA-3'

ClinVar aggregate classification (germline): Likely benign (1 of 4 stars; one submission).

Allele frequency attached by ClinVar (database versions not stated): TOPMed below 0.00001.
gnomAD v4.1: 6 of 1,607,516 alleles (0.00037%); highest among the groups gnomAD compares: Non-Finnish European, 0.00051%; no homozygotes.

Submission:

GeneDx
Classification: Likely benign. Last evaluated: 2016-12-14. Review status: criteria provided, single submitter. Criteria: GeneDx Variant Classification (06012015). Collection method: clinical testing. Allele origin: germline. Affected: yes.
Comment: This variant is considered likely benign or benign based on one or more of the following criteria: it is a conservative change, it occurs at a poorly conserved position in the protein, it is predicted to be benign by multiple in silico algorithms, and/or has population frequency not consistent with disease.